The following is an entry in ClinVar:

ClinVar aggregate classification (germline): Likely benign. Review status: criteria provided, multiple submitters, no conflicts (2 of 4 stars). 2 submissions from 2 submitters: Likely benign (2). Last evaluated 2026-04-01.

Allele frequency attached by ClinVar (database versions not stated): gnomAD exomes 0.00002 and 0.00003; ExAC 0.00006; gnomAD 0.00010 and 0.00011; TOPMed 0.00019; ESP Exome Variant Server 0.00028.
gnomAD v4.1: 36 of 1,208,684 alleles (0.003%); highest among the groups gnomAD compares: African/African-American, 0.04%; no homozygotes.

Submissions (2):

CeGaT Center for Human Genetics Tuebingen
Classification: Likely benign. Last evaluated: 2026-04-01. Review status: criteria provided, single submitter. Criteria: CeGaT Center For Human Genetics Tuebingen Variant Classification Criteria Version 2. Collection method: clinical testing. Allele origin: germline. Affected: yes. Observed: 1 variant allele.
Comment: KIF4A: BP4, BP7, BS2

Labcorp Genetics (formerly Invitae), Labcorp
Classification: Likely benign. Last evaluated: 2018-09-19. Review status: criteria provided, single submitter. Criteria: Invitae Variant Classification Sherloc (09022015). Collection method: clinical testing. Allele origin: germline.

NM_012310.5(KIF4A):c.249G>A (p.Thr83=)

Gene: KIF4A (kinesin family member 4A; plus strand). Cytogenetic location: Xq13.1.
Variant type: single nucleotide variant.
Coding change: c.249G>A on transcript NM_012310.5 (MANE Select); coding-DNA position 249, G replaced by A.
Protein change: p.Thr83=; no amino-acid change (threonine 83 retained).
Molecular consequence: synonymous variant.
Genome position (GRCh38, 1-based): chrX:70,297,011, G>A. VCF-style: chrX-70297011-G-A. GRCh37 (hg19) VCF-style: chrX-69516861-G-A.
Identifiers: ClinVar variation 752353 (VCV000752353.5), dbSNP rs371852745, ClinGen allele CA10440968.